The following is an entry in ClinVar:

NM_001042492.3(NF1):c.4828G>A (p.Ala1610Thr)

Gene: NF1 (neurofibromin 1; plus strand). Cytogenetic location: 17q11.2.
Variant type: single nucleotide variant.
Coding change: c.4828G>A on transcript NM_001042492.3 (MANE Select); coding-DNA position 4828, G replaced by A.
Protein change: p.Ala1610Thr; replaces alanine 1610 with threonine.
Molecular consequence: missense variant.
Genome position (GRCh38, 1-based): chr17:31,265,332, G>A. VCF-style: chr17-31265332-G-A. GRCh37 (hg19) VCF-style: chr17-29592350-G-A.
Other names: c.4765G>A, p.Ala1589Thr (NM_000267.4); short protein forms A1589T, A1610T.
Identifiers: ClinVar variation 1006225 (VCV001006225.6), dbSNP rs2067767184, ClinGen allele CA399001378.

ClinVar aggregate classification (germline): Uncertain significance. Review status: criteria provided, multiple submitters, no conflicts (2 of 4 stars). 2 submissions from 2 submitters: Uncertain significance (2). Last evaluated 2023-10-05.

Conditions:
Hereditary cancer-predisposing syndrome. Also called: Hereditary neoplastic syndrome; Neoplastic Syndromes, Hereditary; Tumor predisposition; Hereditary Cancer Syndrome. Identifiers: Orphanet 140162, MedGen C0027672, MeSH D009386, MONDO:0015356.
Cardiovascular phenotype. Identifiers: MedGen CN230736.
Neurofibromatosis, type 1 (NF1). Also called: NEUROFIBROMATOSIS, TYPE I, SOMATIC; Peripheral type neurofibromatosis; VON RECKLINGHAUSEN DISEASE; Neurofibromatosis, type I. Identifiers: Orphanet 636, MedGen C0027831, MONDO:0018975, OMIM 162200. Disease mechanism: loss of function.

Allele frequency attached by ClinVar (database versions not stated): gnomAD exomes below 0.00001.
gnomAD v4.1: 2 of 1,607,788 alleles (0.00012%); highest among the groups gnomAD compares: Non-Finnish European, 0.00017%; no homozygotes.

Submissions (2):

Ambry Genetics
Classification: Uncertain significance for Cardiovascular phenotype; Hereditary cancer-predisposing syndrome. Last evaluated: 2023-10-05. Review status: criteria provided, single submitter. Criteria: Ambry Variant Classification Scheme 2023. Collection method: clinical testing. Allele origin: germline.
Comment: The p.A1589T variant (also known as c.4765G>A), located in coding exon 35 of the NF1 gene, results from a G to A substitution at nucleotide position 4765. The alanine at codon 1589 is replaced by threonine, an amino acid with similar properties. This amino acid position is conserved. In addition, this alteration is predicted to be tolerated by in silico analysis. Since supporting evidence is limited at this time, the clinical significance of this alteration remains unclear.

Labcorp Genetics (formerly Invitae), Labcorp
Classification: Uncertain significance for Neurofibromatosis, type 1. Last evaluated: 2021-05-25. Review status: criteria provided, single submitter. Criteria: Invitae Variant Classification Sherloc (09022015). Collection method: clinical testing. Allele origin: germline.
Comment: In summary, the available evidence is currently insufficient to determine the role of this variant in disease. Therefore, it has been classified as a Variant of Uncertain Significance. Advanced modeling of protein sequence and biophysical properties (such as structural, functional, and spatial information, amino acid conservation, physicochemical variation, residue mobility, and thermodynamic stability) performed at Invitae indicates that this missense variant is not expected to disrupt NF1 protein function. This variant has not been reported in the literature in individuals with NF1-related conditions. ClinVar contains an entry for this variant (Variation ID: 1006225). This variant is not present in population databases (ExAC no frequency). This sequence change replaces alanine with threonine at codon 1589 of the NF1 protein (p.Ala1589Thr). The alanine residue is moderately conserved and there is a small physicochemical difference between alanine and threonine.